The following is an entry in ClinVar:

NM_001177316.2(SLC34A3):c.560+32_560+36del

Gene: SLC34A3 (solute carrier family 34 member 3; plus strand). Cytogenetic location: 9q34.3.
Variant type: Deletion.
Coding change: c.560+32_560+36del on transcript NM_001177316.2 (MANE Select); bases 32 to 36 of the intron after coding-DNA position 560, 5 bases deleted (CTGCA; older notation c.560+32_560+36delCTGCA).
Molecular consequence: intron variant.
Genome position (GRCh38, 1-based): chr9:137,233,147-137,233,151, CTGCA deleted. VCF-style (leftmost placement, unchanged base first): chr9-137233146-GCTGCA-G. GRCh37 (hg19) VCF-style: chr9-140127598-GCTGCA-G.
Other names: c.560+32_560+36del (NM_001177317.2, NM_080877.3).
Identifiers: ClinVar variation 4979105 (VCV004979105.1).

ClinVar aggregate classification (germline): Likely benign (1 of 4 stars; one submission).

Conditions:
SLC34A3-related disorder. Also called: SLC34A3-related condition.

Submission:

PreventionGenetics, part of Exact Sciences
Classification: Likely benign for SLC34A3-related condition. Last evaluated: 2024-10-23. Review status: criteria provided, single submitter. Criteria: ACMG Guidelines, 2015. Collection method: clinical testing. Allele origin: germline.
Comment: This variant is classified as likely benign based on ACMG/AMP sequence variant interpretation guidelines (Richards et al. 2015 PMID: 25741868, with internal and published modifications).